The following is an entry in ClinVar:

NM_024675.4(PALB2):c.1685G>A (p.Gly562Glu)

Gene: PALB2 (partner and localizer of BRCA2; minus strand). Cytogenetic location: 16p12.2.
Variant type: single nucleotide variant.
Coding change: c.1685G>A on transcript NM_024675.4 (MANE Select); coding-DNA position 1685, G replaced by A.
Protein change: p.Gly562Glu; replaces glycine 562 with glutamic acid.
Molecular consequence: missense variant.
Genome position (GRCh38, 1-based): chr16:23,630,469, C>T on the plus strand (G>A on the coding strand, the complement: PALB2 is on the minus strand). VCF-style: chr16-23630469-C-T. GRCh37 (hg19) VCF-style: chr16-23641790-C-T.
Other names: short protein forms G562E.
Identifiers: ClinVar variation 1478385 (VCV001478385.7), dbSNP rs2142391406, ClinGen allele CA395128489.

ClinVar aggregate classification (germline): Uncertain significance (1 of 4 stars; one submission).

Conditions:
Familial cancer of breast. Also called: hereditary breast carcinoma; Hereditary breast cancer; BREAST CANCER, FAMILIAL. Identifiers: Orphanet 227535, MedGen C0346153, MONDO:0016419, OMIM 114480. Disease mechanism: loss of function.

Submission:

Labcorp Genetics (formerly Invitae), Labcorp
Classification: Uncertain significance for Familial cancer of breast. Last evaluated: 2021-10-01. Review status: criteria provided, single submitter. Criteria: Invitae Variant Classification Sherloc (09022015). Collection method: clinical testing. Allele origin: germline.
Comment: This variant is not present in population databases (ExAC no frequency). This sequence change replaces glycine with glutamic acid at codon 562 of the PALB2 protein (p.Gly562Glu). The glycine residue is moderately conserved and there is a moderate physicochemical difference between glycine and glutamic acid. This variant has not been reported in the literature in individuals affected with PALB2-related conditions. Algorithms developed to predict the effect of missense changes on protein structure and function output the following: SIFT: "Tolerated"; PolyPhen-2: "Benign"; Align-GVGD: "Class C0". The glutamic acid amino acid residue is found in multiple mammalian species, which suggests that this missense change does not adversely affect protein function. In summary, the available evidence is currently insufficient to determine the role of this variant in disease. Therefore, it has been classified as a Variant of Uncertain Significance. Algorithms developed to predict the effect of sequence changes on RNA splicing suggest that this variant may disrupt the consensus splice site.